The following is an entry in ClinVar:

ClinVar aggregate classification (germline): Benign/Likely benign. Review status: criteria provided, multiple submitters, no conflicts (2 of 4 stars). 14 submissions from 14 submitters: Benign (5); Likely benign (5). 4 of the submissions do not count toward it. Last evaluated 2026-09-21.

Conditions:
Melnick-Needles syndrome (MNS). Also called: Melnick-Needles Syndrome (FLNA-MNS); MELNICK-NEEDLES OSTEODYSPLASTY; OSTEODYSPLASTY OF MELNICK AND NEEDLES. Identifiers: Orphanet 2484, MedGen C0025237, MONDO:0010650, OMIM 309350.
Heterotopia, periventricular, X-linked dominant (PVNH1). Also called: PERIVENTRICULAR NODULAR HETEROTOPIA 4; HETEROTOPIA, PERIVENTRICULAR, 1; PERIVENTRICULAR NODULAR HETEROTOPIA 1; X-linked periventricular heterotopia. Identifiers: Orphanet 2149, Orphanet 82004, MedGen C1848213, MONDO:0010233, OMIM 300049.
Oto-palato-digital syndrome, type II (OPD2). Also called: FACIOPALATOOSSEOUS SYNDROME; Otopalatodigital Syndrome Type 2 (FLNA-OPD2); Otopalatodigital Syndrome, Type II; OPD II SYNDROME. Identifiers: Orphanet 669, Orphanet 90652, MedGen C1844696, MONDO:0010571, OMIM 304120.
Frontometaphyseal dysplasia (FMD1). Identifiers: Orphanet 1826, MedGen C0265293, MONDO:0015942.
Connective tissue disorder. Also called: Connective tissue disease. Identifiers: MedGen C0009782, MONDO:0003900.
FG syndrome 2 (FGS2). Identifiers: MedGen C1845902, MONDO:0010297, OMIM 300321.
Cardiac valvular dysplasia, X-linked (CVDPX). Also called: FLNA-Related X-linked Cardiac Valvular Dysplasia; MYXOMATOUS VALVULAR DYSTROPHY, X-LINKED; VALVULAR HEART DISEASE, CONGENITAL; Congenital valvular dysplasia; Isolated X-Linked Cardiac Valvular Dysplasia. Identifiers: Orphanet 1864, Orphanet 555877, Orphanet 75497, MedGen C0262436, MONDO:0010753, OMIM 314400.
Intestinal pseudoobstruction, neuronal, chronic idiopathic, X-linked (CIIPX). Also called: CONGENITAL IDIOPATHIC INTESTINAL PSEUDOOBSTRUCTION; INTESTINAL PSEUDOOBSTRUCTION, NEURONAL, CHRONIC IDIOPATHIC, WITH CENTRAL NERVOUS SYSTEM INVOLVEMENT; FLNA-Related Periventricular Nodular Heterotopia (FLNA-Related PVNH; Huttenlocher Syndrome). Identifiers: Orphanet 2301, MedGen C2746068, MONDO:0010232, OMIM 300048.
Terminal osseous dysplasia-pigmentary defects syndrome. Also called: ODPD; TERMINAL OSSEOUS DYSPLASIA AND PIGMENTARY DEFECTS; Terminal Osseous Dysplasia (FLNA-TOD); ODPF SYNDROME; OSSEOUS DYSPLASIA, DIGITAL, WITH FACIAL PIGMENTARY DEFECTS AND MULTIPLE FRENULA. Identifiers: Orphanet 88630, MedGen C1846129, MONDO:0010279, OMIM 300244.
Frontometaphyseal dysplasia 1 (FMD1). Also called: Frontometaphyseal Dysplasia (FLNA-FMD). Identifiers: Orphanet 1826, MedGen C4281559, MONDO:0024550, OMIM 305620.
Oto-palato-digital syndrome, type I (OPD1). Also called: Otopalatodigital Syndrome Type 1 (FLNA-OPD1); Otopalatodigital Syndrome, Type I; Taybi syndrome; OPD I SYNDROME; OPD SYNDROME 1. Identifiers: Orphanet 669, Orphanet 90650, MedGen C0265251, MONDO:0010704, OMIM 311300.

Allele frequency attached by ClinVar (database versions not stated): ExAC 0.00055; gnomAD exomes 0.00081 and 0.00053; 1000 Genomes Project 30x 0.00042; gnomAD 0.00057 and 0.00058; TOPMed 0.00052; 1000 Genomes Project 0.00053; ESP Exome Variant Server 0.00072.
gnomAD v4.1: 938 of 1,206,735 alleles (0.078%); highest among the groups gnomAD compares: Non-Finnish European, 0.09%; 1 homozygote.

Submissions (14):

Molecular Diagnostic Laboratory for Inherited Cardiovascular Disease, Montreal Heart Institute
Classification: Likely benign. Last evaluated: 2026-09-21. Review status: criteria provided, single submitter. Criteria: ACMG Guidelines, 2015. Collection method: clinical testing. Allele origin: germline. Affected: no.

Labcorp Genetics (formerly Invitae), Labcorp
Classification: Benign for Oto-palato-digital syndrome, type II; Heterotopia, periventricular, X-linked dominant; Frontometaphyseal dysplasia; Melnick-Needles syndrome. Last evaluated: 2026-02-01. Review status: criteria provided, single submitter. Criteria: Invitae Variant Classification Sherloc (09022015). Collection method: clinical testing. Allele origin: germline.

Mayo Clinic Laboratories, Mayo Clinic
Classification: Likely benign. Last evaluated: 2025-08-25. Review status: criteria provided, single submitter. Criteria: ACMG Guidelines, 2015. Collection method: clinical testing. Allele origin: germline. Observed: 13 variant alleles.
Comment: BS2, BP4, BP7

ARUP Laboratories, Molecular Genetics and Genomics, ARUP Laboratories
Classification: Benign. Last evaluated: 2025-02-12. Review status: criteria provided, single submitter. Criteria: ARUP Molecular Germline Variant Investigation Process 2024. Collection method: clinical testing. Allele origin: germline.

Blueprint Genetics
Classification: Likely benign. Last evaluated: 2024-09-25. Review status: criteria provided, single submitter. Criteria: ACMG Guidelines, 2015. Collection method: clinical testing. Allele origin: germline.

Women's Health and Genetics/Laboratory Corporation of America, LabCorp
Classification: Benign. Last evaluated: 2023-11-06. Review status: criteria provided, single submitter. Criteria: LabCorp Variant Classification Summary - May 2015. Collection method: clinical testing. Allele origin: germline.
Comment: Variant summary: FLNA c.7756+8A>G alters a non-conserved nucleotide located close to a canonical splice site and therefore could affect mRNA splicing, leading to a significantly altered protein sequence. Consensus agreement among computation tools predict no significant impact on normal splicing. However, these predictions have yet to be confirmed by functional studies. The variant allele was found at a frequency of 0.00053 in 180346 control chromosomes. The observed variant frequency is approximately 1703-fold of the estimated maximal expected allele frequency for a pathogenic variant in FLNA causing Periventricular Nodular Heterotopia phenotype (3.1e-07), strongly suggesting that the variant is benign. To our knowledge, no occurrence of c.7756+8A>G in individuals affected with Periventricular Nodular Heterotopia and no experimental evidence demonstrating its impact on protein function have been reported. Five submitters have cited clinical-significance assessments for this variant to ClinVar after 2014. All submitters classified the variant as benign/likely benign. Based on the evidence outlined above, the variant was classified as benign.

Fulgent Genetics
Classification: Benign for Intestinal pseudoobstruction, neuronal, chronic idiopathic, X-linked; Heterotopia, periventricular, X-linked dominant; Terminal osseous dysplasia-pigmentary defects syndrome; FG syndrome 2; Oto-palato-digital syndrome, type II; Frontometaphyseal dysplasia 1; Melnick-Needles syndrome; Oto-palato-digital syndrome, type I; Cardiac valvular dysplasia, X-linked. Last evaluated: 2022-03-11. Review status: criteria provided, single submitter. Criteria: ACMG Guidelines, 2015. Collection method: clinical testing. Allele origin: unknown.

Center for Human Genetics, Inc
Classification: Likely benign for Connective tissue disorder. Last evaluated: 2016-11-01. Review status: criteria provided, single submitter. Criteria: ACMG Guidelines, 2015. Collection method: clinical testing. Allele origin: germline. Affected: yes.

GeneDx
Classification: Benign. Last evaluated: 2015-03-03. Review status: criteria provided, single submitter. Criteria: GeneDx Variant Classification Process June 2021. Collection method: clinical testing. Allele origin: germline. Affected: yes.

Eurofins Ntd Llc (ga)
Classification: Likely benign. Last evaluated: 2014-04-09. Review status: criteria provided, single submitter. Criteria: EGL Classification Definitions 2015. Collection method: clinical testing. Allele origin: germline. Observed: 3 variant alleles, 2 heterozygotes, 1 hemizygote.

Clinical Genetics DNA and cytogenetics Diagnostics Lab, Erasmus MC, Erasmus Medical Center
Classification: Likely benign. Review status: no assertion criteria provided. Collection method: clinical testing. Allele origin: germline. Affected: yes. Study: VKGL Data-share Consensus. Not counted in ClinVar's aggregate classification.

Genome Diagnostics Laboratory, Amsterdam University Medical Center
Classification: Likely benign. Review status: no assertion criteria provided. Collection method: clinical testing. Allele origin: germline. Affected: yes. Study: VKGL Data-share Consensus. Not counted in ClinVar's aggregate classification.

Genome Diagnostics Laboratory, University Medical Center Utrecht
Classification: Likely benign. Review status: no assertion criteria provided. Collection method: clinical testing. Allele origin: germline. Affected: yes. Study: VKGL Data-share Consensus. Not counted in ClinVar's aggregate classification.

Laboratory of Diagnostic Genome Analysis, Leiden University Medical Center (LUMC)
Classification: Likely benign. Review status: no assertion criteria provided. Collection method: clinical testing. Allele origin: germline. Affected: yes. Study: VKGL Data-share Consensus. Not counted in ClinVar's aggregate classification.

NM_001110556.2(FLNA):c.7756+8A>G

Genes: FLNA (filamin A; minus strand), LOC107988032 (Xq28 proximal FLNA-EMD recombination region; plus strand). Cytogenetic location: Xq28.
Variant type: single nucleotide variant.
Coding change: c.7756+8A>G on transcript NM_001110556.2 (MANE Select); 8 bases into the intron after coding-DNA position 7756, A replaced by G.
Molecular consequence: intron variant.
Genome position (GRCh38, 1-based): chrX:154,349,354, T>C on the plus strand (A>G on the coding strand, the complement: FLNA is on the minus strand). VCF-style: chrX-154349354-T-C. GRCh37 (hg19) VCF-style: chrX-153577722-T-C.
Other names: p.?; c.7732+8A>G (NM_001456.4).
Identifiers: ClinVar variation 167075 (VCV000167075.37), dbSNP rs201663443, ClinGen allele CA180042.